The following is an entry in ClinVar:

NM_000053.4(ATP7B):c.1807A>T (p.Lys603Ter)

Gene: ATP7B (ATPase copper transporting beta; minus strand). Cytogenetic location: 13q14.3.
Variant type: single nucleotide variant.
Coding change: c.1807A>T on transcript NM_000053.4 (MANE Select); coding-DNA position 1807, A replaced by T.
Protein change: p.Lys603Ter; replaces lysine 603 with a stop codon.
Molecular consequence: nonsense. On other transcripts: intron variant (3).
Genome position (GRCh38, 1-based): chr13:51,964,934, T>A on the plus strand (A>T on the coding strand, the complement: ATP7B is on the minus strand). VCF-style: chr13-51964934-T-A. GRCh37 (hg19) VCF-style: chr13-52539070-T-A.
Other names: c.1285+9001A>T (NM_001406548.1); c.1707+3510A>T (NM_001406547.1, NM_001406545.1); c.1807A>T, p.Lys603Ter (NM_001406512.1, NM_001406513.1, NM_001330579.2 and 24 more transcripts); c.1774A>T, p.Lys592Ter (NM_001406514.1, NM_001406524.1); c.1474A>T, p.Lys492Ter (NM_001243182.2); c.1807A>T (NM_000053.3); c.1711A>T, p.Lys571Ter (NM_001406517.1, NM_001406518.1, NM_001406536.1 and 3 more transcripts); c.1378A>T, p.Lys460Ter (NM_001406539.1); short protein forms K460*, K492*, K592*, K603*, K571*.
Identifiers: ClinVar variation 4733380 (VCV004733380.2).
Genomic context (GRCh38, chr13:51,964,934, plus strand): 5'-CAATAATTTTGATAATATCCCGTGGACCGATAATTTCCGGGTCAAACTTAACAAGGGCTT[T>A]GCTGGTGGCAAGGGCAACGGAGGCATAAGTGATGCCATTTGTCCTCGTGAGTTTGGACTC-3'

ClinVar aggregate classification (germline): Pathogenic/Likely pathogenic. Review status: criteria provided, multiple submitters, no conflicts (2 of 4 stars). 2 submissions from 2 submitters: Pathogenic (1); Likely pathogenic (1). Last evaluated 2025-12-23.

Conditions:
Wilson disease (WND). Also called: Wilson's disease. Identifiers: Orphanet 905, MedGen C0019202, MONDO:0010200, OMIM 277900. Disease mechanism: loss of function.

Submissions (2):

Labcorp Genetics (formerly Invitae), Labcorp
Classification: Pathogenic for Wilson disease. Last evaluated: 2025-12-23. Review status: criteria provided, single submitter. Criteria: Invitae Variant Classification Sherloc (09022015). Collection method: clinical testing. Allele origin: germline.
Comment: This sequence change creates a premature translational stop signal (p.Lys603*) in the ATP7B gene. It is expected to result in an absent or disrupted protein product. Loss-of-function variants in ATP7B are known to be pathogenic (PMID: 10441329, 16283883). This variant is not present in population databases (gnomAD no frequency). This variant has not been reported in the literature in individuals affected with ATP7B-related conditions. For these reasons, this variant has been classified as Pathogenic.

Natera, Inc.
Classification: Likely pathogenic for Wilson disease. Last evaluated: 2025-08-01. Review status: criteria provided, single submitter. Criteria: Natera Variant Classification Schema (03/2026). Collection method: clinical testing. Allele origin: germline.
Comment: The c.1807A>T variant in ATP7B is a nonsense variant predicted to introduce a stop codon at amino acid 603. This variant is expected to result in nonsense mediated decay, truncation, or a dysfunctional protein product. This variant is rare in the general population with a frequency below the threshold expected for the associated phenotype(s). Given the available evidence, this variant is classified as Likely Pathogenic.

Literature cited by the submitters: PubMed 10441329 (cited by Labcorp Genetics (formerly Invitae), Labcorp); PubMed 16283883 (cited by Labcorp Genetics (formerly Invitae), Labcorp).